The following is an entry in ClinVar:

ClinVar aggregate classification (germline): Uncertain significance (1 of 4 stars; one submission).

Conditions:
Anauxetic dysplasia. Identifiers: Orphanet 93347, MedGen C1846796, MONDO:0011773.

Submission:

Labcorp Genetics (formerly Invitae), Labcorp
Classification: Uncertain significance for Anauxetic dysplasia. Last evaluated: 2022-02-10. Review status: criteria provided, single submitter. Criteria: Invitae Variant Classification Sherloc (09022015). Collection method: clinical testing. Allele origin: germline.
Comment: A copy number gain of the genomic region encompassing the full coding sequence of the RMRP gene has been identified. The boundaries of this event are unknown as they extend beyond the assayed region for this gene and therefore may encompass additional genes. As the precise location of this event is unknown, it may be in tandem or it may be located elsewhere in the genome. This variant has not been reported in the literature in individuals affected with RMRP-related conditions. In summary, the available evidence is currently insufficient to determine the role of this variant in disease. Therefore, it has been classified as a Variant of Uncertain Significance.

NC_000009.11:g.(?_34370797)_(36276941_?)dup

Genes: HRCT1 (histidine rich carboxyl terminus 1; plus strand), OR2S2 (olfactory receptor family 2 subfamily S member 2; minus strand), GALT (galactose-1-phosphate uridylyltransferase; plus strand), ARID3C (AT-rich interaction domain 3C; minus strand), CNTFR (ciliary neurotrophic factor receptor; minus strand) and 48 more. Cytogenetic location: 9p13.3.
Variant type: Duplication.
Identifiers: ClinVar variation 2427794 (VCV002427794.2).